The following is an entry in ClinVar:

ClinVar aggregate classification (germline): Likely benign (1 of 4 stars; one submission).

Allele frequency attached by ClinVar (database versions not stated): gnomAD 0.00001 and 0.00003; TOPMed 0.00001 and 0.00002; gnomAD exomes below 0.00001; ExAC 0.00001.
gnomAD v4.1: 6 of 1,614,090 alleles (0.00037%); highest among the groups gnomAD compares: Non-Finnish European, 0.00051%; no homozygotes.

Submission:

GeneDx
Classification: Likely benign. Last evaluated: 2011-10-25. Review status: criteria provided, single submitter. Criteria: GeneDx Variant Classification (06012015). Collection method: clinical testing. Allele origin: germline. Affected: yes.
Comment: This variant is considered likely benign or benign based on one or more of the following criteria: it is a conservative change, it occurs at a poorly conserved position in the protein, it is predicted to be benign by multiple in silico algorithms, and/or has population frequency not consistent with disease.

NM_005751.5(AKAP9):c.10495A>G (p.Ile3499Val)

Gene: AKAP9 (A-kinase anchoring protein 9; plus strand). Cytogenetic location: 7q21.2.
Variant type: single nucleotide variant.
Coding change: c.10495A>G on transcript NM_005751.5 (MANE Select); coding-DNA position 10495, A replaced by G.
Protein change: p.Ile3499Val; replaces isoleucine 3499 with valine.
Molecular consequence: missense variant.
Genome position (GRCh38, 1-based): chr7:92,097,682, A>G. VCF-style: chr7-92097682-A-G. GRCh37 (hg19) VCF-style: chr7-91726996-A-G.
Other names: p.I3499V:ATT>GTT; c.5140A>G, p.Ile1714Val (NM_001379277.1); c.10471A>G, p.Ile3491Val (NM_147185.3); short protein forms I3499V, I3491V, I1714V.
Identifiers: ClinVar variation 190495 (VCV000190495.1), dbSNP rs756721657, ClinGen allele CA300636.